The following is an entry in ClinVar:

ClinVar aggregate classification (germline): Pathogenic/Likely pathogenic. Review status: criteria provided, multiple submitters, no conflicts (2 of 4 stars). 2 submissions from 2 submitters: Pathogenic (1); Likely pathogenic (1). Last evaluated 2026-08-06.

Conditions:
Tooth agenesis, selective, 10 (STHAG10). Identifiers: MedGen C5774277, MONDO:0859339, OMIM 620173.

Allele frequency attached by ClinVar (database versions not stated): gnomAD exomes 0.00001.
gnomAD v4.1: 4 of 1,614,190 alleles (0.00025%); highest among the groups gnomAD compares: African/African-American, 0.0013%; no homozygotes.

Submissions (2):

OLLIN Analises Genomicas, OLLIN
Classification: Likely pathogenic for Tooth agenesis, selective, 10. Last evaluated: 2026-08-06. Review status: criteria provided, single submitter. Criteria: ACMG Guidelines 2015 PMID 25741868. Collection method: clinical testing. Allele origin: germline. Inheritance: Autosomal recessive inheritance.
Comment: This nonsense variant, located in exon 8 (of 12), has been reported in ClinVar (accession VCV002875832.3) and in gnomAD with an allele frequency of 0.00025%. However, to our knowledge, it has not been reported in the scientific literature. This variant introduces a premature stop codon, which is predicted to result in either a truncated protein or degradation of the mRNA via nonsense-mediated decay (NMD). According to the currently available evidence, this variant has been classified as likely pathogenic (PVS1, PM2_P).

Labcorp Genetics (formerly Invitae), Labcorp
Classification: Pathogenic. Last evaluated: 2023-01-17. Review status: criteria provided, single submitter. Criteria: Invitae Variant Classification Sherloc (09022015). Collection method: clinical testing. Allele origin: germline.
Comment: For these reasons, this variant has been classified as Pathogenic. Algorithms developed to predict the effect of sequence changes on RNA splicing suggest that this variant may disrupt the consensus splice site. This variant has not been reported in the literature in individuals affected with TSPEAR-related conditions. This variant is present in population databases (no rsID available, gnomAD 0.0009%). This sequence change creates a premature translational stop signal (p.Trp406*) in the TSPEAR gene. It is expected to result in an absent or disrupted protein product. Loss-of-function variants in TSPEAR are known to be pathogenic (PMID: 34042254).

Literature cited by the submitters: PubMed 34042254 (cited by Labcorp Genetics (formerly Invitae), Labcorp).

NM_144991.3(TSPEAR):c.1217G>A (p.Trp406Ter)

Gene: TSPEAR (thrombospondin type laminin G domain and EAR repeats; minus strand). Cytogenetic location: 21q22.3.
Variant type: single nucleotide variant.
Coding change: c.1217G>A on transcript NM_144991.3 (MANE Select); coding-DNA position 1217, G replaced by A.
Protein change: p.Trp406Ter; replaces tryptophan 406 with a stop codon.
Molecular consequence: nonsense.
Genome position (GRCh38, 1-based): chr21:44,525,772, C>T on the plus strand (G>A on the coding strand, the complement: TSPEAR is on the minus strand). VCF-style: chr21-44525772-C-T. GRCh37 (hg19) VCF-style: chr21-45945655-C-T.
Other names: c.1013G>A, p.Trp338Ter (NM_001272037.2); short protein forms W338*, W406*.
Identifiers: ClinVar variation 2875832 (VCV002875832.4), dbSNP rs1555914867, ClinGen allele CA410439608.
Genomic context (GRCh38, chr21:44,525,772, plus strand): 5'-TCTCGGGCGCTGTGTGTGGCAATGCTCTGATATGGGGTAAACTTCAGCTTTCTGTGGCTC[C>T]ATTTGTAAATGACAGAGAACTCCTGACCCTTCTCATCTGGTTCAAAATTAGCCACTGCCA-3'